The following is an entry in ClinVar:

NM_017654.4(SAMD9):c.454G>C (p.Glu152Gln)

Gene: SAMD9 (sterile alpha motif domain containing 9; minus strand). Cytogenetic location: 7q21.2.
Variant type: single nucleotide variant.
Coding change: c.454G>C on transcript NM_017654.4 (MANE Select); coding-DNA position 454, G replaced by C.
Protein change: p.Glu152Gln; replaces glutamic acid 152 with glutamine.
Molecular consequence: missense variant.
Genome position (GRCh38, 1-based): chr7:93,105,644, C>G on the plus strand (G>C on the coding strand, the complement: SAMD9 is on the minus strand). VCF-style: chr7-93105644-C-G. GRCh37 (hg19) VCF-style: chr7-92734957-C-G.
Other names: c.454G>C, p.Glu152Gln (NM_001193307.2); short protein forms E152Q.
Identifiers: ClinVar variation 3949533 (VCV003949533.1).

ClinVar aggregate classification (germline): Uncertain significance (1 of 4 stars; one submission).

Conditions:
Inborn genetic diseases. Identifiers: MedGen C0950123, MeSH D030342.

gnomAD v4.1: 1 of 1,614,070 alleles (0.000062%); highest among the groups gnomAD compares: Non-Finnish European, 0.000085%; no homozygotes.

Submission:

Ambry Genetics
Classification: Uncertain significance for Inborn genetic diseases. Last evaluated: 2025-04-10. Review status: criteria provided, single submitter. Criteria: Ambry Variant Classification Scheme 2023. Collection method: clinical testing. Allele origin: germline.
Comment: The p.E152Q variant (also known as c.454G>C), located in coding exon 1 of the SAMD9 gene, results from a G to C substitution at nucleotide position 454. The glutamic acid at codon 152 is replaced by glutamine, an amino acid with highly similar properties. This amino acid position is conserved. In addition, this alteration is predicted to be tolerated by in silico analysis. Based on the available evidence, the clinical significance of this variant remains unclear.